The following is an entry in ClinVar:

NM_000487.6(ARSA):c.1106A>C (p.Lys369Thr)

Gene: ARSA (arylsulfatase A; minus strand). Cytogenetic location: 22q13.33.
Variant type: single nucleotide variant.
Coding change: c.1106A>C on transcript NM_000487.6 (MANE Select); coding-DNA position 1106, A replaced by C.
Protein change: p.Lys369Thr; replaces lysine 369 with threonine.
Molecular consequence: missense variant.
Genome position (GRCh38, 1-based): chr22:50,625,937, T>G on the plus strand (A>C on the coding strand, the complement: ARSA is on the minus strand). VCF-style: chr22-50625937-T-G. GRCh37 (hg19) VCF-style: chr22-51064365-T-G.
Other names: c.1106A>C, p.Lys369Thr (NM_001085425.3, NM_001085426.3, NM_001085427.3); c.848A>C, p.Lys283Thr (NM_001085428.3, NM_001362782.2); short protein forms K369T, K283T.
Identifiers: ClinVar variation 1418815 (VCV001418815.8), dbSNP rs200901626, ClinGen allele CA10324832.

ClinVar aggregate classification (germline): Uncertain significance (1 of 4 stars; one submission).

Conditions:
Metachromatic leukodystrophy (MLD). Also called: Cerebral sclerosis diffuse metachromatic form; Arylsulfatase A Deficiency; METACHROMATIC LEUKOENCEPHALOPATHY; SULFATIDE LIPIDOSIS; ARSA DEFICIENCY; CEREBROSIDE SULFATASE DEFICIENCY. Identifiers: Orphanet 512, MedGen C0023522, MONDO:0018868, OMIM 250100.

Allele frequency attached by ClinVar (database versions not stated): gnomAD exomes below 0.00001 and 0.00001; TOPMed 0.00001; ExAC 0.00003; 1000 Genomes Project 30x 0.00016; 1000 Genomes Project 0.00020.

Submission:

Labcorp Genetics (formerly Invitae), Labcorp
Classification: Uncertain significance for Metachromatic leukodystrophy. Last evaluated: 2023-10-13. Review status: criteria provided, single submitter. Criteria: Invitae Variant Classification Sherloc (09022015). Collection method: clinical testing. Allele origin: germline.
Comment: This sequence change replaces lysine, which is basic and polar, with threonine, which is neutral and polar, at codon 369 of the ARSA protein (p.Lys369Thr). The frequency data for this variant in the population databases is considered unreliable, as metrics indicate poor data quality at this position in the gnomAD database. This variant has not been reported in the literature in individuals affected with ARSA-related conditions. ClinVar contains an entry for this variant (Variation ID: 1418815). An algorithm developed to predict the effect of missense changes on protein structure and function (PolyPhen-2) suggests that this variant is likely to be tolerated. Algorithms developed to predict the effect of sequence changes on RNA splicing suggest that this variant may create or strengthen a splice site. In summary, the available evidence is currently insufficient to determine the role of this variant in disease. Therefore, it has been classified as a Variant of Uncertain Significance.